The following is an entry in ClinVar:

NM_005343.4(HRAS):c.383G>T (p.Arg128Leu)

Genes: LRRC56 (leucine rich repeat containing 56; plus strand), HRAS (HRas proto-oncogene, GTPase; minus strand). Cytogenetic location: 11p15.5.
Variant type: single nucleotide variant.
Coding change: c.383G>T on transcript NM_005343.4 (MANE Select); coding-DNA position 383, G replaced by T.
Protein change: p.Arg128Leu; replaces arginine 128 with leucine.
Molecular consequence: missense variant.
Genome position (GRCh38, 1-based): chr11:533,520, C>A on the plus strand (G>T on the coding strand, the complement: HRAS is on the minus strand). VCF-style: chr11-533520-C-A. GRCh37 (hg19) VCF-style: chr11-533520-C-A.
Other names: c.383G>T, p.Arg128Leu (NM_001130442.3, NM_176795.5); c.64G>T, p.Gly22Cys (NM_001318054.2); short protein forms G22C, R128L.
Identifiers: ClinVar variation 1487521 (VCV001487521.8), dbSNP rs1554884794, ClinGen allele CA378923052.
Genomic context (GRCh38, chr11:533,520, plus strand): 5'-GTCTTGGCCGAGGTCTCGATGTAGGGGATGCCGTAGCTTCGGGCGAGGTCCTGAGCCTGC[C>A]GAGATTCCACAGTGCGTGCAGCCAGGTCACACTTGTTCCCCACCAGCACCATGGGCACGT-3'
Protein context (NP_005334.1, residues 118-138): CDLAARTVES[Arg128Leu]QAQDLARSYG

ClinVar aggregate classification (germline): Uncertain significance (1 of 4 stars; one submission).

Conditions:
Costello syndrome (CSTLO). Also called: FCS SYNDROME; FACIOCUTANEOSKELETAL SYNDROME; HRAS-Related Costello Syndrome. Identifiers: Orphanet 3071, MedGen C0587248, MONDO:0009026, OMIM 218040.

Allele frequency attached by ClinVar (database versions not stated): gnomAD exomes below 0.00001.
gnomAD v4.1: 2 of 1,613,798 alleles (0.00012%); highest among the groups gnomAD compares: Non-Finnish European, 0.00017%; no homozygotes.

Submission:

Labcorp Genetics (formerly Invitae), Labcorp
Classification: Uncertain significance for Costello syndrome. Last evaluated: 2021-02-08. Review status: criteria provided, single submitter. Criteria: Invitae Variant Classification Sherloc (09022015). Collection method: clinical testing. Allele origin: germline.
Comment: This sequence change replaces arginine with leucine at codon 128 of the HRAS protein (p.Arg128Leu). The arginine residue is moderately conserved and there is a moderate physicochemical difference between arginine and leucine. This variant is not present in population databases (ExAC no frequency). This variant has not been reported in the literature in individuals with HRAS-related conditions. Advanced modeling of protein sequence and biophysical properties (such as structural, functional, and spatial information, amino acid conservation, physicochemical variation, residue mobility, and thermodynamic stability) performed at Invitae indicates that this missense variant is not expected to disrupt HRAS protein function. In summary, the available evidence is currently insufficient to determine the role of this variant in disease. Therefore, it has been classified as a Variant of Uncertain Significance.